The following is an entry in ClinVar:

NM_181523.3(PIK3R1):c.1685G>A (p.Arg562His)

Gene: PIK3R1 (phosphoinositide-3-kinase regulatory subunit 1; plus strand). Cytogenetic location: 5q13.1.
Variant type: single nucleotide variant.
Coding change: c.1685G>A on transcript NM_181523.3 (MANE Select); coding-DNA position 1685, G replaced by A.
Protein change: p.Arg562His; replaces arginine 562 with histidine.
Molecular consequence: missense variant.
Genome position (GRCh38, 1-based): chr5:68,295,264, G>A. VCF-style: chr5-68295264-G-A. GRCh37 (hg19) VCF-style: chr5-67591092-G-A.
Other names: c.596G>A, p.Arg199His (NM_001242466.2); c.875G>A, p.Arg292His (NM_181504.4); c.785G>A, p.Arg262His (NM_181524.2); short protein forms R562H, R199H, R262H, R292H.
Identifiers: ClinVar variation 452253 (VCV000452253.2), dbSNP rs1554051268, ClinGen allele CA359883026.

ClinVar aggregate classification (germline): Likely pathogenic (1 of 4 stars; one submission).

Allele frequency attached by ClinVar (database versions not stated): gnomAD exomes below 0.00001.
gnomAD v4.1: 7 of 1,614,114 alleles (0.00043%); highest among the groups gnomAD compares: East Asian, 0.0045%; no homozygotes.

Submission:

GeneDx
Classification: Likely pathogenic. Last evaluated: 2017-09-26. Review status: criteria provided, single submitter. Criteria: GeneDx Variant Classification (06012015). Collection method: clinical testing. Allele origin: germline. Affected: yes.
Comment: The R562H variant in the PIK3R1 gene has not been reported previously as a pathogenic variant, nor as a benign variant, to our knowledge. The R562H variant is not observed in large population cohorts (Lek et al., 2016). The R562H variant is a conservative amino acid substitution, which is not likely to impact secondary protein structure as these residues share similar properties. This substitution occurs at a position where amino acids with similar properties to Arginine are tolerated across species. In silico analysis is inconsistent in its predictions as to whether or not the variant is damaging to the protein structure/function. We interpret R562H as a likely pathogenic variant.